The following is an entry in ClinVar:

NM_005886.3(KATNB1):c.171+9C>T

Gene: KATNB1 (katanin regulatory subunit B1; plus strand). Cytogenetic location: 16q21.
Variant type: single nucleotide variant.
Coding change: c.171+9C>T on transcript NM_005886.3 (MANE Select); 9 bases into the intron after coding-DNA position 171, C replaced by T.
Molecular consequence: intron variant.
Genome position (GRCh38, 1-based): chr16:57,741,826, C>T. VCF-style: chr16-57741826-C-T. GRCh37 (hg19) VCF-style: chr16-57775738-C-T.
Other names: c.171+9C>T (NM_005886.2).
Identifiers: ClinVar variation 1597836 (VCV001597836.10), dbSNP rs369859365, ClinGen allele CA8080631.

ClinVar aggregate classification (germline): Likely benign. Review status: criteria provided, single submitter (1 of 4 stars). 2 submissions from 2 submitters: Likely benign (1). 1 of the submissions does not count toward it. Last evaluated 2021-06-13.

Conditions:
KATNB1-related disorder. Also called: KATNB1-related condition.

Allele frequency attached by ClinVar (database versions not stated): ExAC 0.00003; gnomAD exomes 0.00003 and 0.00004; TOPMed 0.00006; gnomAD 0.00009; ESP Exome Variant Server 0.00015.

Submissions (2):

Labcorp Genetics (formerly Invitae), Labcorp
Classification: Likely benign. Last evaluated: 2021-06-13. Review status: criteria provided, single submitter. Criteria: Invitae Variant Classification Sherloc (09022015). Collection method: clinical testing. Allele origin: germline.

PreventionGenetics, part of Exact Sciences
Classification: Likely benign for KATNB1-related condition. Last evaluated: 2021-12-22. Review status: no assertion criteria provided. Collection method: clinical testing. Allele origin: germline. Not counted in ClinVar's aggregate classification.
Comment: This variant is classified as likely benign based on ACMG/AMP sequence variant interpretation guidelines (Richards et al. 2015 PMID: 25741868, with internal and published modifications).